The following is an entry in ClinVar:

NM_018180.3(DHX32):c.806C>T (p.Ser269Leu)

Gene: DHX32 (DEAH-box helicase 32 (putative); minus strand). Cytogenetic location: 10q26.2.
Variant type: single nucleotide variant.
Coding change: c.806C>T on transcript NM_018180.3 (MANE Select); coding-DNA position 806, C replaced by T.
Protein change: p.Ser269Leu; replaces serine 269 with leucine.
Molecular consequence: missense variant.
Genome position (GRCh38, 1-based): chr10:125,859,646, G>A on the plus strand (C>T on the coding strand, the complement: DHX32 is on the minus strand). VCF-style: chr10-125859646-G-A. GRCh37 (hg19) VCF-style: chr10-127548215-G-A.
Other names: c.806C>T (NM_018180.2); short protein forms S269L.
Identifiers: ClinVar variation 1367747 (VCV001367747.7), dbSNP rs201005566, ClinGen allele CA5739383.

ClinVar aggregate classification (germline): Uncertain significance. Review status: criteria provided, multiple submitters, no conflicts (2 of 4 stars). 2 submissions from 2 submitters: Uncertain significance (2). Last evaluated 2025-12-31.

Allele frequency attached by ClinVar (database versions not stated): ExAC 0.00013; ESP Exome Variant Server 0.00015; gnomAD exomes 0.00015; TOPMed 0.00015; gnomAD 0.00016 and 0.00017.
gnomAD v4.1: 524 of 1,608,410 alleles (0.033%); highest among the groups gnomAD compares: Non-Finnish European, 0.043%; no homozygotes.

Submissions (2):

Labcorp Genetics (formerly Invitae), Labcorp
Classification: Uncertain significance. Last evaluated: 2025-12-31. Review status: criteria provided, single submitter. Criteria: Invitae Variant Classification Sherloc (09022015). Collection method: clinical testing. Allele origin: germline.
Comment: This sequence change replaces serine, which is neutral and polar, with leucine, which is neutral and non-polar, at codon 269 of the DHX32 protein (p.Ser269Leu). This variant is present in population databases (rs201005566, gnomAD 0.03%). This variant has not been reported in the literature in individuals affected with DHX32-related conditions. ClinVar contains an entry for this variant (Variation ID: 1367747). An algorithm developed to predict the effect of missense changes on protein structure and function (PolyPhen-2) suggests that this variant is likely to be disruptive. In summary, the available evidence is currently insufficient to determine the role of this variant in disease. Therefore, it has been classified as a Variant of Uncertain Significance.

Ambry Genetics
Classification: Uncertain significance. Last evaluated: 2024-03-07. Review status: criteria provided, single submitter. Criteria: Ambry Variant Classification Scheme 2023. Collection method: clinical testing. Allele origin: germline.